The following is an entry in ClinVar:

ClinVar aggregate classification (germline): Pathogenic (1 of 4 stars; one submission).

Submission:

GeneDx
Classification: Pathogenic. Last evaluated: 2024-11-18. Review status: criteria provided, single submitter. Criteria: GeneDx Variant Classification Process June 2021. Collection method: clinical testing. Allele origin: germline. Affected: yes.
Comment: Frameshift variant predicted to result in protein truncation or nonsense mediated decay in a gene for which loss of function is a known mechanism of disease; Not observed at significant frequency in large population cohorts (gnomAD); Has not been previously published as pathogenic or benign to our knowledge

NM_001009944.3(PKD1):c.707_711del (p.Gln236fs)

Gene: PKD1 (polycystin 1, transient receptor potential channel interacting; minus strand). Cytogenetic location: 16p13.3.
Variant type: Deletion.
Coding change: c.707_711del on transcript NM_001009944.3 (MANE Select); coding-DNA positions 707 to 711, 5 bases deleted (AGCCC; older notation c.707_711delAGCCC).
Protein change: p.Gln236fs; shifts the reading frame from glutamine 236.
Molecular consequence: frameshift variant.
Genome position (GRCh38, 1-based): chr16:2,118,281-2,118,285, GGGCT deleted on the plus strand (AGCCC on the coding strand, the reverse complement: PKD1 is on the minus strand); deleting any 5 consecutive bases within chr16:2,118,281-2,118,289 gives the same sequence; the c. name uses the placement nearest the transcript's 3' end. VCF-style (leftmost placement, unchanged base first): chr16-2118280-AGGGCT-A. GRCh37 (hg19) VCF-style: chr16-2168281-AGGGCT-A.
Other names: c.707_711del, p.Gln236fs (NM_000296.4); c.703_707delGCCCA, p.Gln236Leufs (NM_001009944.2); short protein forms Q236fs.
Identifiers: ClinVar variation 3899513 (VCV003899513.1).